The following is an entry in ClinVar:

NM_003072.5(SMARCA4):c.223-20T>A

Gene: SMARCA4 (SWI/SNF related BAF chromatin remodeling complex subunit ATPase 4; plus strand). Cytogenetic location: 19p13.2.
Variant type: single nucleotide variant.
Coding change: c.223-20T>A on transcript NM_003072.5 (MANE Select); 20 bases into the intron before coding-DNA position 223, T replaced by A.
Molecular consequence: intron variant.
Genome position (GRCh38, 1-based): chr19:10,985,253, T>A. VCF-style: chr19-10985253-T-A. GRCh37 (hg19) VCF-style: chr19-11095929-T-A.
Other names: c.223-20T>A (NM_001128844.3, NM_001128849.3, NM_001128847.4 and 6 more transcripts).
Identifiers: ClinVar variation 3724666 (VCV003724666.2).

ClinVar aggregate classification (germline): Uncertain significance (1 of 4 stars; one submission).

Conditions:
Rhabdoid tumor predisposition syndrome 2 (RTPS2). Identifiers: Orphanet 231108, Orphanet 69077, MedGen C2750074, MONDO:0013224, OMIM 613325.

Submission:

Labcorp Genetics (formerly Invitae), Labcorp
Classification: Uncertain significance for Rhabdoid tumor predisposition syndrome 2. Last evaluated: 2024-11-05. Review status: criteria provided, single submitter. Criteria: Invitae Variant Classification Sherloc (09022015). Collection method: clinical testing. Allele origin: germline.
Comment: This sequence change falls in intron 2 of the SMARCA4 gene. It does not directly change the encoded amino acid sequence of the SMARCA4 protein. This variant is not present in population databases (gnomAD no frequency). This variant has not been reported in the literature in individuals affected with SMARCA4-related conditions. Algorithms developed to predict the effect of sequence changes on RNA splicing suggest that this variant may create or strengthen a splice site. In summary, the available evidence is currently insufficient to determine the role of this variant in disease. Therefore, it has been classified as a Variant of Uncertain Significance.